The following is an entry in ClinVar:

ClinVar aggregate classification (germline): Uncertain significance (1 of 4 stars; one submission).

Submission:

Labcorp Genetics (formerly Invitae), Labcorp
Classification: Uncertain significance. Last evaluated: 2024-04-25. Review status: criteria provided, single submitter. Criteria: Invitae Variant Classification Sherloc (09022015). Collection method: clinical testing. Allele origin: germline.
Comment: This sequence change replaces aspartic acid, which is acidic and polar, with asparagine, which is neutral and polar, at codon 1661 of the COL11A2 protein (p.Asp1661Asn). This variant is not present in population databases (gnomAD no frequency). This variant has not been reported in the literature in individuals affected with COL11A2-related conditions. Advanced modeling of protein sequence and biophysical properties (such as structural, functional, and spatial information, amino acid conservation, physicochemical variation, residue mobility, and thermodynamic stability) performed at Invitae indicates that this missense variant is not expected to disrupt COL11A2 protein function with a negative predictive value of 95%. In summary, the available evidence is currently insufficient to determine the role of this variant in disease. Therefore, it has been classified as a Variant of Uncertain Significance.

NM_080680.3(COL11A2):c.4981G>A (p.Asp1661Asn)

Gene: COL11A2 (collagen type XI alpha 2 chain; minus strand). Cytogenetic location: 6p21.32.
Variant type: single nucleotide variant.
Coding change: c.4981G>A on transcript NM_080680.3 (MANE Select); coding-DNA position 4981, G replaced by A.
Protein change: p.Asp1661Asn; replaces aspartic acid 1661 with asparagine.
Molecular consequence: missense variant.
Genome position (GRCh38, 1-based): chr6:33,164,356, C>T on the plus strand (G>A on the coding strand, the complement: COL11A2 is on the minus strand). VCF-style: chr6-33164356-C-T. GRCh37 (hg19) VCF-style: chr6-33132133-C-T.
Other names: c.2935G>A, p.Asp979Asn (NM_001424112.1); c.4660G>A, p.Asp1554Asn (NM_080679.3); c.4723G>A, p.Asp1575Asn (NM_080681.3); c.4801G>A, p.Asp1601Asn (NM_001424108.1); c.4135G>A, p.Asp1379Asn (NM_001424109.1); c.3955G>A, p.Asp1319Asn (NM_001424110.1, NM_001424111.1); short protein forms D1319N, D1575N, D1554N, D1379N, D1601N, D1661N, D979N.
Identifiers: ClinVar variation 3635237 (VCV003635237.2).